The following is an entry in ClinVar:

ClinVar aggregate classification (germline): Uncertain significance (1 of 4 stars; one submission).

Conditions:
Cardiovascular phenotype. Identifiers: MedGen CN230736.

Submission:

Ambry Genetics
Classification: Uncertain significance for Cardiovascular phenotype. Last evaluated: 2025-03-04. Review status: criteria provided, single submitter. Criteria: Ambry Variant Classification Scheme 2023. Collection method: clinical testing. Allele origin: germline.
Comment: The p.T287R variant (also known as c.860C>G), located in coding exon 6 of the ABCG8 gene, results from a C to G substitution at nucleotide position 860. The threonine at codon 287 is replaced by arginine, an amino acid with similar properties. This amino acid position is conserved. In addition, this alteration is predicted to be tolerated by in silico analysis. Based on the available evidence, the clinical significance of this variant remains unclear.

NM_022437.3(ABCG8):c.860C>G (p.Thr287Arg)

Gene: ABCG8 (ATP binding cassette subfamily G member 8; plus strand). Cytogenetic location: 2p21.
Variant type: single nucleotide variant.
Coding change: c.860C>G on transcript NM_022437.3 (MANE Select); coding-DNA position 860, C replaced by G.
Protein change: p.Thr287Arg; replaces threonine 287 with arginine.
Molecular consequence: missense variant.
Genome position (GRCh38, 1-based): chr2:43,852,764, C>G. VCF-style: chr2-43852764-C-G. GRCh37 (hg19) VCF-style: chr2-44079903-C-G.
Other names: c.860C>G, p.Thr287Arg (NM_001357321.2); short protein forms T287R.
Identifiers: ClinVar variation 3890650 (VCV003890650.1).